The following is an entry in ClinVar:

NM_003823.4(TNFRSF6B):c.474_476del (p.Phe158_Ser159delinsLeu)

Genes: RTEL1-TNFRSF6B (RTEL1-TNFRSF6B readthrough (NMD candidate); plus strand), TNFRSF6B (TNF receptor superfamily member 6b; plus strand). Cytogenetic location: 20q13.33.
Variant type: Deletion.
Coding change: c.474_476del on transcript NM_003823.4 (MANE Select); coding-DNA positions 474 to 476, 3 bases deleted (CTC; older notation c.474_476delCTC).
Protein change: p.Phe158_Ser159delinsLeu.
Molecular consequence: inframe indel. On other transcripts: non-coding transcript variant (1).
Genome position (GRCh38, 1-based): chr20:63,697,377-63,697,379, CTC deleted. VCF-style (leftmost placement, unchanged base first): chr20-63697376-TCTC-T. GRCh37 (hg19) VCF-style: chr20-62328729-TCTC-T.
Identifiers: ClinVar variation 4764468 (VCV004764468.1).

ClinVar aggregate classification (germline): Uncertain significance (1 of 4 stars; one submission).

Submission:

Labcorp Genetics (formerly Invitae), Labcorp
Classification: Uncertain significance. Last evaluated: 2025-07-09. Review status: criteria provided, single submitter. Criteria: Invitae Variant Classification Sherloc (09022015). Collection method: clinical testing. Allele origin: germline.
Comment: This variant, c.474_476del, is a complex sequence change that results in the deletion of 2 and insertion of 1 amino acid(s) in the TNFRSF6B protein (p.Phe158_Ser159delinsLeu). This variant is not present in population databases (gnomAD no frequency). This variant has not been reported in the literature in individuals affected with TNFRSF6B-related conditions. In summary, the available evidence is currently insufficient to determine the role of this variant in disease. Therefore, it has been classified as a Variant of Uncertain Significance.